The following is an entry in ClinVar:

ClinVar aggregate classification (germline): Uncertain significance. Review status: criteria provided, multiple submitters, no conflicts (2 of 4 stars). 2 submissions from 2 submitters: Uncertain significance (2). Last evaluated 2024-09-15.

Conditions:
Hereditary pheochromocytoma and paraganglioma. Also called: Hereditary Paraganglioma-Pheochromocytoma Syndromes; Hereditary paragangliomas and pheochromocytomas; Hereditary pheochromocytoma-paraganglioma. Identifiers: Orphanet 29072, MedGen C4274332, MONDO:0017366.
Hereditary cancer-predisposing syndrome. Also called: Neoplastic Syndromes, Hereditary; Hereditary Cancer Syndrome; Tumor predisposition; Hereditary neoplastic syndrome. Identifiers: Orphanet 140162, MedGen C0027672, MeSH D009386, MONDO:0015356.

Submissions (2):

Ambry Genetics
Classification: Uncertain significance for Hereditary cancer-predisposing syndrome. Last evaluated: 2024-09-15. Review status: criteria provided, single submitter. Criteria: Ambry Variant Classification Scheme 2023. Collection method: clinical testing. Allele origin: germline.
Comment: The p.S20R variant (also known as c.60C>A), located in coding exon 2 of the SDHAF2 gene, results from a C to A substitution at nucleotide position 60. The serine at codon 20 is replaced by arginine, an amino acid with dissimilar properties. This amino acid position is conserved. In addition, this alteration is predicted to be tolerated by in silico analysis. Based on the available evidence, the clinical significance of this variant remains unclear.

Labcorp Genetics (formerly Invitae), Labcorp
Classification: Uncertain significance for Hereditary pheochromocytoma and paraganglioma. Last evaluated: 2023-10-16. Review status: criteria provided, single submitter. Criteria: Invitae Variant Classification Sherloc (09022015). Collection method: clinical testing. Allele origin: germline.
Comment: This sequence change replaces serine, which is neutral and polar, with arginine, which is basic and polar, at codon 20 of the SDHAF2 protein (p.Ser20Arg). This variant is not present in population databases (gnomAD no frequency). This variant has not been reported in the literature in individuals affected with SDHAF2-related conditions. ClinVar contains an entry for this variant (Variation ID: 571562). Algorithms developed to predict the effect of missense changes on protein structure and function output the following: SIFT: "Not Available"; PolyPhen-2: "Benign"; Align-GVGD: "Not Available". The arginine amino acid residue is found in multiple mammalian species, which suggests that this missense change does not adversely affect protein function. In summary, the available evidence is currently insufficient to determine the role of this variant in disease. Therefore, it has been classified as a Variant of Uncertain Significance.

NM_017841.4(SDHAF2):c.60C>A (p.Ser20Arg)

Gene: SDHAF2 (succinate dehydrogenase complex assembly factor 2; plus strand). Cytogenetic location: 11q12.2.
Variant type: single nucleotide variant.
Coding change: c.60C>A on transcript NM_017841.4 (MANE Select); coding-DNA position 60, C replaced by A.
Protein change: p.Ser20Arg; replaces serine 20 with arginine.
Molecular consequence: missense variant.
Genome position (GRCh38, 1-based): chr11:61,437,648, C>A. VCF-style: chr11-61437648-C-A. GRCh37 (hg19) VCF-style: chr11-61205120-C-A.
Other names: short protein forms S20R.
Identifiers: ClinVar variation 571562 (VCV000571562.9), dbSNP rs1565128479, ClinGen allele CA380682841.